The following is an entry in ClinVar:

ClinVar aggregate classification (germline): Benign/Likely benign. Review status: criteria provided, multiple submitters, no conflicts (2 of 4 stars). 10 submissions from 10 submitters: Benign (2); Likely benign (8). Last evaluated 2026-01-11.

Conditions:
Familial adenomatous polyposis 1 (FAP1). Also called: POLYPOSIS, ADENOMATOUS INTESTINAL; FAMILIAL ADENOMATOUS POLYPOSIS 1, ATTENUATED. Identifiers: MedGen C2713442, MONDO:0021056, OMIM 175100. Disease mechanism: loss of function.
Classic or attenuated familial adenomatous polyposis. Identifiers: MedGen CN372698, MONDO:0021057.
APC-Associated Polyposis Disorders.
Hereditary cancer-predisposing syndrome. Also called: Neoplastic Syndromes, Hereditary; Tumor predisposition; Hereditary neoplastic syndrome; Hereditary Cancer Syndrome. Identifiers: Orphanet 140162, MedGen C0027672, MeSH D009386, MONDO:0015356.

Allele frequency attached by ClinVar (database versions not stated): TOPMed 0.00001; gnomAD exomes 0.00006; ExAC 0.00008.
gnomAD v4.1: 17 of 1,614,194 alleles (0.0011%); highest among the groups gnomAD compares: Admixed American, 0.027%; no homozygotes.

Submissions (10):

Labcorp Genetics (formerly Invitae), Labcorp
Classification: Likely benign for Familial adenomatous polyposis 1. Last evaluated: 2026-01-11. Review status: criteria provided, single submitter. Criteria: Invitae Variant Classification Sherloc (09022015). Collection method: clinical testing. Allele origin: germline.

Women's Health and Genetics/Laboratory Corporation of America, LabCorp
Classification: Likely benign. Last evaluated: 2025-10-07. Review status: criteria provided, single submitter. Criteria: LabCorp Variant Classification Summary - May 2015. Collection method: clinical testing. Allele origin: germline.

Myriad Genetics, Inc.
Classification: Benign for Familial adenomatous polyposis 1. Last evaluated: 2024-03-27. Review status: criteria provided, single submitter. Criteria: Myriad Autosomal Dominant, Autosomal Recessive and X-Linked Classification Criteria (2023). Collection method: clinical testing. Allele origin: unknown.
Comment: This variant is considered benign. This variant is a silent/synonymous amino acid change and it is not expected to impact splicing.

All of Us Research Program, National Institutes of Health
Classification: Likely benign for Classic or attenuated familial adenomatous polyposis. Last evaluated: 2023-12-01. Review status: criteria provided, single submitter. Criteria: ACMG Guidelines, 2015. Collection method: clinical testing. Allele origin: germline. Inheritance: Autosomal dominant inheritance. Observed: 3 variant alleles, 3 heterozygotes.
Comment: This study involves interpretation of variants in research participants for the purpose of population health screening. Participant phenotype was not available at the time of variant classification. Additional details can be found in publication PMID: 35346344, PMCID: PMC8962531

Quest Diagnostics Nichols Institute San Juan Capistrano
Classification: Benign. Last evaluated: 2019-10-18. Review status: criteria provided, single submitter. Criteria: Quest Diagnostics criteria. Collection method: clinical testing. Allele origin: unknown.

GeneDx
Classification: Likely benign. Last evaluated: 2018-06-07. Review status: criteria provided, single submitter. Criteria: GeneDx Variant Classification (06012015). Collection method: clinical testing. Allele origin: germline. Affected: yes.
Comment: This variant is considered likely benign or benign based on one or more of the following criteria: it is a conservative change, it occurs at a poorly conserved position in the protein, it is predicted to be benign by multiple in silico algorithms, and/or has population frequency not consistent with disease.

Illumina Laboratory Services, Illumina
Classification: Likely benign for APC-Associated Polyposis Disorders. Last evaluated: 2018-01-13. Review status: criteria provided, single submitter. Criteria: ICSL Variant Classification Criteria 13 December 2019. Collection method: clinical testing. Allele origin: germline.
Comment: This variant was observed in the ICSL laboratory as part of a predisposition screen in an ostensibly healthy population. It had not been previously curated by ICSL or reported in the Human Gene Mutation Database (HGMD: prior to June 1st, 2018), and was therefore a candidate for classification through an automated scoring system. Utilizing variant allele frequency, disease prevalence and penetrance estimates, and inheritance mode, an automated score was calculated to assess if this variant is too frequent to cause the disease. Based on the score and internal cut-off values, a variant classified as likely benign is not then subjected to further curation. The score for this variant resulted in a classification of likely benign for this disease.

PreventionGenetics, part of Exact Sciences
Classification: Likely benign. Last evaluated: 2017-12-20. Review status: criteria provided, single submitter. Criteria: ACMG Guidelines, 2015. Collection method: clinical testing. Allele origin: germline.

Color Diagnostics, LLC DBA Color Health
Classification: Likely benign for Hereditary cancer-predisposing syndrome. Last evaluated: 2017-10-12. Review status: criteria provided, single submitter. Criteria: ACMG Guidelines, 2015. Collection method: clinical testing. Allele origin: germline.

Ambry Genetics
Classification: Likely benign for Hereditary cancer-predisposing syndrome. Last evaluated: 2015-07-07. Review status: criteria provided, single submitter. Criteria: Ambry Variant Classification Scheme 2023. Collection method: clinical testing. Allele origin: germline.

NM_000038.6(APC):c.4833G>A (p.Gln1611=)

Gene: APC (APC regulator of Wnt signaling pathway; plus strand). Cytogenetic location: 5q22.2.
Variant type: single nucleotide variant.
Coding change: c.4833G>A on transcript NM_000038.6 (MANE Select); coding-DNA position 4833, G replaced by A.
Protein change: p.Gln1611=; no amino-acid change (glutamine 1611 retained).
Molecular consequence: synonymous variant.
Genome position (GRCh38, 1-based): chr5:112,840,427, G>A. VCF-style: chr5-112840427-G-A. GRCh37 (hg19) VCF-style: chr5-112176124-G-A.
Other names: c.4833G>A, p.Gln1611= (NM_001127510.3, NM_001354895.2); c.4779G>A, p.Gln1593= (NM_001127511.3); c.4887G>A, p.Gln1629= (NM_001354896.2); c.4863G>A, p.Gln1621= (NM_001354897.2); c.4758G>A, p.Gln1586= (NM_001354898.2); c.4749G>A, p.Gln1583= (NM_001354899.2); c.4710G>A, p.Gln1570= (NM_001354900.2); c.4656G>A, p.Gln1552= (NM_001354901.2); and 5 more.
Identifiers: ClinVar variation 350412 (VCV000350412.28), dbSNP rs762030106, ClinGen allele CA039975.
Genomic context (GRCh38, chr5:112,840,427, plus strand): 5'-AAAAAAGCCAGCCCAGACTGCTTCAAAATTACCTCCACCTGTGGCAAGGAAACCAAGTCA[G>A]CTGCCTGTGTACAAACTTCTACCATCACAAAACAGGTTGCAACCCCAAAAGCATGTTAGT-3'
Protein context (NP_000029.2, residues 1601-1621): LPPPVARKPS[Gln1611=]LPVYKLLPSQ